The following is an entry in ClinVar:

ClinVar aggregate classification (germline): Uncertain significance. Review status: criteria provided, multiple submitters, no conflicts (2 of 4 stars). 2 submissions from 2 submitters: Uncertain significance (2). Last evaluated 2026-08-05.

Conditions:
Inborn genetic diseases. Identifiers: MedGen C0950123, MeSH D030342.

gnomAD v4.1: 5 of 1,613,834 alleles (0.00031%); highest among the groups gnomAD compares: Admixed American, 0.0067%; no homozygotes.

Submissions (2):

Ambry Genetics
Classification: Uncertain significance for Inborn genetic diseases. Last evaluated: 2026-08-05. Review status: criteria provided, single submitter. Criteria: Ambry Variant Classification Scheme 2023. Collection method: clinical testing. Allele origin: germline.

Women's Health and Genetics/Laboratory Corporation of America, LabCorp
Classification: Uncertain significance. Last evaluated: 2026-06-12. Review status: criteria provided, single submitter. Criteria: LabCorp Variant Classification Summary - May 2015. Collection method: clinical testing. Allele origin: germline.
Comment: Variant summary: FGG c.100T>G (p.Cys34Gly) results in a non-conservative amino acid change in the encoded protein sequence. Algorithms developed to predict the effect of missense changes on protein structure and function all suggest that this variant is likely to be disruptive. The variant allele was found at a frequency of 4e-06 in 250756 control chromosomes. The available data on variant occurrences in the general population are insufficient to allow any conclusion about variant significance. To our knowledge, no occurrence of c.100T>G in individuals affected with FGG-related conditions and no experimental evidence demonstrating its impact on protein function have been reported. No submitters have cited clinical-significance assessments for this variant to ClinVar. Based on the evidence outlined above, the variant was classified as uncertain significance.

NM_021870.3(FGG):c.100T>G (p.Cys34Gly)

Gene: FGG (fibrinogen gamma chain; minus strand). Cytogenetic location: 4q32.1.
Variant type: single nucleotide variant.
Coding change: c.100T>G on transcript NM_021870.3 (MANE Select); coding-DNA position 100, T replaced by G.
Protein change: p.Cys34Gly; replaces cysteine 34 with glycine.
Molecular consequence: missense variant.
Genome position (GRCh38, 1-based): chr4:154,612,414, A>C on the plus strand (T>G on the coding strand, the complement: FGG is on the minus strand). VCF-style: chr4-154612414-A-C. GRCh37 (hg19) VCF-style: chr4-155533566-A-C.
Other names: c.100T>G (NM_000509.4); c.100T>G, p.Cys34Gly (NM_000509.6); short protein forms C34G.
Identifiers: ClinVar variation 4887309 (VCV004887309.2).